The following is an entry in ClinVar:

NM_001029883.3(PCARE):c.2789_2795del (p.Thr930fs)

Gene: PCARE (photoreceptor cilium actin regulator; minus strand). Cytogenetic location: 2p23.2.
Variant type: Microsatellite.
Coding change: c.2789_2795del on transcript NM_001029883.3 (MANE Select); coding-DNA positions 2789 to 2795, 7 bases deleted (CCAGCCA; older notation c.2789_2795delCCAGCCA).
Protein change: p.Thr930fs; shifts the reading frame from threonine 930.
Molecular consequence: frameshift variant.
Genome position (GRCh38, 1-based): chr2:29,071,467-29,071,473, TGGCTGG deleted on the plus strand (CCAGCCA on the coding strand, the reverse complement: PCARE is on the minus strand); deleting any 7 consecutive bases within chr2:29,071,467-29,071,483 gives the same sequence; the c. name uses the placement nearest the transcript's 3' end. VCF-style (leftmost placement, unchanged base first): chr2-29071466-TTGGCTGG-T. GRCh37 (hg19) VCF-style: chr2-29294332-TTGGCTGG-T.
Other names: short protein forms T930fs.
Identifiers: ClinVar variation 1969179 (VCV001969179.5), dbSNP rs761147595, ClinGen allele CA1592122.

ClinVar aggregate classification (germline): Pathogenic (1 of 4 stars; one submission).

Submission:

Labcorp Genetics (formerly Invitae), Labcorp
Classification: Pathogenic. Last evaluated: 2022-10-17. Review status: criteria provided, single submitter. Criteria: Invitae Variant Classification Sherloc (09022015). Collection method: clinical testing. Allele origin: germline.
Comment: For these reasons, this variant has been classified as Pathogenic. This variant has not been reported in the literature in individuals affected with PCARE-related conditions. This variant is not present in population databases (gnomAD no frequency). This sequence change creates a premature translational stop signal (p.Thr930Lysfs*5) in the PCARE gene. It is expected to result in an absent or disrupted protein product. Loss-of-function variants in PCARE are known to be pathogenic (PMID: 20398886, 24339724, 26496393).

Literature cited by the submitters: PubMed 20398886; PubMed 24339724; PubMed 26496393.